The following is an entry in ClinVar:

ClinVar aggregate classification (germline): Uncertain significance (1 of 4 stars; one submission).

Submission:

GeneDx
Classification: Uncertain significance. Last evaluated: 2026-03-28. Review status: criteria provided, single submitter. Criteria: GeneDx Variant Classification Process June 2021. Collection method: clinical testing. Allele origin: germline.
Comment: Not observed at significant frequency in large population cohorts (gnomAD); In silico analysis supports that this missense variant has a deleterious effect on protein structure/function; Has not been previously published as pathogenic or benign to our knowledge

NM_173495.3(PTCHD1):c.997C>A (p.Pro333Thr)

Gene: PTCHD1 (patched domain containing 1; plus strand). Cytogenetic location: Xp22.11.
Variant type: single nucleotide variant.
Coding change: c.997C>A on transcript NM_173495.3 (MANE Select); coding-DNA position 997, C replaced by A.
Protein change: p.Pro333Thr; replaces proline 333 with threonine.
Molecular consequence: missense variant.
Genome position (GRCh38, 1-based): chrX:23,380,236, C>A. VCF-style: chrX-23380236-C-A. GRCh37 (hg19) VCF-style: chrX-23398353-C-A.
Other names: short protein forms P333T.
Identifiers: ClinVar variation 5017781 (VCV005017781.1).
Genomic context (GRCh38, chrX:23,380,236, plus strand): 5'-ACTGCAGCCGGGATCATCAATCTTACTGGTGGGAAATATAATTCCACCTTCCTGGGAGTC[C>A]CTTTCGTCATGCTAGGTAATTACTACTCTTCTTTCTTCTGTTTCCGCCTGCTGGTGGTGT-3'
Protein context (NP_775766.2, residues 323-343): GKYNSTFLGV[Pro333Thr]FVMLGHGLYG